The following is an entry in ClinVar:

ClinVar aggregate classification (germline): Uncertain significance. Review status: criteria provided, multiple submitters, no conflicts (2 of 4 stars). 3 submissions from 3 submitters: Uncertain significance (3). Last evaluated 2025-01-18.

Conditions:
Inborn genetic diseases. Identifiers: MedGen C0950123, MeSH D030342.
Donnai-Barrow syndrome. Also called: DBS/FOAR SYNDROME; FACIOOCULOACOUSTICORENAL SYNDROME. Identifiers: Orphanet 2143, MedGen C1857277, MONDO:0009104, OMIM 222448.

Allele frequency attached by ClinVar (database versions not stated): ExAC 0.00002; gnomAD 0.00008; TOPMed 0.00010; ESP Exome Variant Server 0.00015.
gnomAD v4.1: 15 of 1,613,960 alleles (0.00093%); highest among the groups gnomAD compares: African/African-American, 0.02%; no homozygotes.

Submissions (3):

Ambry Genetics
Classification: Uncertain significance for Inborn genetic diseases. Last evaluated: 2025-01-18. Review status: criteria provided, single submitter. Criteria: Ambry Variant Classification Scheme 2023. Collection method: clinical testing. Allele origin: germline.

Fulgent Genetics
Classification: Uncertain significance for Donnai-Barrow syndrome. Last evaluated: 2024-02-26. Review status: criteria provided, single submitter. Criteria: ACMG Guidelines, 2015. Collection method: clinical testing. Allele origin: germline.

Labcorp Genetics (formerly Invitae), Labcorp
Classification: Uncertain significance. Last evaluated: 2022-04-13. Review status: criteria provided, single submitter. Criteria: Invitae Variant Classification Sherloc (09022015). Collection method: clinical testing. Allele origin: germline.
Comment: This sequence change replaces serine, which is neutral and polar, with arginine, which is basic and polar, at codon 1196 of the LRP2 protein (p.Ser1196Arg). This variant is present in population databases (rs138625240, gnomAD 0.02%). This variant has not been reported in the literature in individuals affected with LRP2-related conditions. Algorithms developed to predict the effect of missense changes on protein structure and function (SIFT, PolyPhen-2, Align-GVGD) all suggest that this variant is likely to be tolerated. In summary, the available evidence is currently insufficient to determine the role of this variant in disease. Therefore, it has been classified as a Variant of Uncertain Significance.

NM_004525.3(LRP2):c.3586A>C (p.Ser1196Arg)

Gene: LRP2 (LDL receptor related protein 2; minus strand). Cytogenetic location: 2q31.1.
Variant type: single nucleotide variant.
Coding change: c.3586A>C on transcript NM_004525.3 (MANE Select); coding-DNA position 3586, A replaced by C.
Protein change: p.Ser1196Arg; replaces serine 1196 with arginine.
Molecular consequence: missense variant.
Genome position (GRCh38, 1-based): chr2:169,243,037, T>G on the plus strand (A>C on the coding strand, the complement: LRP2 is on the minus strand). VCF-style: chr2-169243037-T-G. GRCh37 (hg19) VCF-style: chr2-170099547-T-G.
Other names: c.3586A>C (NM_004525.2); short protein forms S1196R.
Identifiers: ClinVar variation 2076992 (VCV002076992.3), dbSNP rs138625240, ClinGen allele CA1954995.